The following is an entry in ClinVar:

ClinVar aggregate classification (germline): Uncertain significance (1 of 4 stars; one submission).

Conditions:
Arrhythmogenic right ventricular cardiomyopathy (ARVD). Also called: Arrhythmogenic right ventricular dysplasia; Cardiomyopathy, ARVC; Arrhythmogenic cardiomyopathy; Arrhythmogenic Right Ventricular Cardiomyopathy (ARVC). Identifiers: Orphanet 247, MedGen C0349788, MeSH D019571, MONDO:0016587. Disease mechanism: loss of function. Inheritance: Various modes of inheritance.

Submission:

All of Us Research Program, National Institutes of Health
Classification: Uncertain significance for Arrhythmogenic right ventricular cardiomyopathy. Last evaluated: 2023-05-16. Review status: criteria provided, single submitter. Criteria: ACMG Guidelines, 2015. Collection method: clinical testing. Allele origin: germline. Inheritance: Autosomal dominant inheritance. Observed: 1 variant allele, 1 heterozygote.
Comment: This missense variant replaces threonine with isoleucine at codon 95 of the DSG2 protein. Computational prediction suggests that this variant may not impact protein structure and function (internally defined REVEL score threshold <= 0.5, PMID: 27666373). To our knowledge, functional studies have not been reported for this variant. This variant has not been reported in individuals affected with DSG2-related disorders in the literature. This variant has not been identified in the general population by the Genome Aggregation Database (gnomAD). The available evidence is insufficient to determine the role of this variant in disease conclusively. Therefore, this variant is classified as a Variant of Uncertain Significance.

This study involves interpretation of variants in research participants for the purpose of population health screening. Participant phenotype was not available at the time of variant classification. Additional details can be found in publication PMID: 35346344, PMCID: PMC8962531

NM_001943.5(DSG2):c.284C>T (p.Thr95Ile)

Gene: DSG2 (desmoglein 2; plus strand). Cytogenetic location: 18q12.1.
Variant type: single nucleotide variant.
Coding change: c.284C>T on transcript NM_001943.5 (MANE Select); coding-DNA position 284, C replaced by T.
Protein change: p.Thr95Ile; replaces threonine 95 with isoleucine.
Molecular consequence: missense variant.
Genome position (GRCh38, 1-based): chr18:31,520,870, C>T. VCF-style: chr18-31520870-C-T. GRCh37 (hg19) VCF-style: chr18-29100833-C-T.
Other names: short protein forms T95I.
Identifiers: ClinVar variation 3071036 (VCV003071036.1), dbSNP rs1274769579, ClinGen allele CA402131452.